The following is an entry in ClinVar:

NM_003134.6(SRP14):c.370_381del (p.Pro124_Ala127del)

Gene: SRP14 (signal recognition particle 14; minus strand). Cytogenetic location: 15q15.1.
Variant type: Deletion.
Coding change: c.370_381del on transcript NM_003134.6 (MANE Select); coding-DNA positions 370 to 381, 12 bases deleted (CCAACAACAGCA).
Protein change: p.Pro124_Ala127del.
Molecular consequence: inframe deletion.
Genome position (GRCh38, 1-based): chr15:40,036,363-40,036,374, TGCTGTTGTTGG deleted on the plus strand (CCAACAACAGCA on the coding strand, the reverse complement: SRP14 is on the minus strand); deleting any 12 consecutive bases within chr15:40,036,363-40,036,382 gives the same sequence; the c. name uses the placement nearest the transcript's 3' end. VCF-style (leftmost placement, unchanged base first): chr15-40036362-CTGCTGTTGTTGG-C. GRCh37 (hg19) VCF-style: chr15-40328563-CTGCTGTTGTTGG-C.
Other names: c.226_237del, p.Pro76_Ala79del (NM_001309434.1).
Identifiers: ClinVar variation 2645164 (VCV002645164.24), dbSNP rs749130159, ClinGen allele CA7474872.
Genomic context (GRCh38, chr15:40,036,362, plus strand): 5'-TTAATTGGTGAAAGCAGGAAATGTATGCCCTTTACTGTGCTGCTGTTGCTGCTGTTGTTG[CTGCTGTTGTTGG>C]TGCTGTTGCTGCTGCGGCAGGTGCTGCTGCTGCTGCTGCTGCTGCTGCTTTGGTCTTCTT-3'

ClinVar aggregate classification (germline): Likely benign (1 of 4 stars; one submission).

Submission:

CeGaT Center for Human Genetics Tuebingen
Classification: Likely benign. Last evaluated: 2026-08-01. Review status: criteria provided, single submitter. Criteria: CeGaT Center For Human Genetics Tuebingen Variant Classification Criteria Version 2. Collection method: clinical testing. Allele origin: germline. Affected: yes. Observed: 2 variant alleles.
Comment: SRP14: BS2